The following is an entry in ClinVar:

ClinVar aggregate classification (germline): Benign (1 of 4 stars; one submission).

Conditions:
Pheochromocytoma/paraganglioma syndrome 5. Also called: Paragangliomas 5; SDHA-Related Hereditary Paraganglioma-Pheochromocytoma Syndrome. Identifiers: Orphanet 29072, MedGen C3279992, MONDO:0013602, OMIM 614165.

gnomAD v4.1: 2 of 1,600,040 alleles (0.00012%); highest among the groups gnomAD compares: African/African-American, 0.0013%; no homozygotes.

Submission:

Myriad Genetics, Inc.
Classification: Benign for Pheochromocytoma/paraganglioma syndrome 5. Last evaluated: 2025-03-11. Review status: criteria provided, single submitter. Criteria: Myriad Autosomal Dominant, Autosomal Recessive and X-Linked Classification Criteria (2023). Collection method: clinical testing. Allele origin: unknown.
Comment: This variant is considered benign. This variant occurs in the non-coding 3' untranslated region of the gene, and is not expected to impact protein function.

NM_004168.4(SDHA):c.*10A>T

Gene: SDHA (succinate dehydrogenase complex flavoprotein subunit A; plus strand). Cytogenetic location: 5p15.33.
Variant type: single nucleotide variant.
Coding change: c.*10A>T on transcript NM_004168.4 (MANE Select); 10 bases downstream of the stop codon, A replaced by T.
Molecular consequence: 3 prime UTR variant.
Genome position (GRCh38, 1-based): chr5:256,430, A>T. VCF-style: chr5-256430-A-T. GRCh37 (hg19) VCF-style: chr5-256545-A-T.
Other names: c.*10A>T (NM_001294332.2, NM_001330758.2).
Identifiers: ClinVar variation 3904364 (VCV003904364.1).